The following is an entry in ClinVar:

ClinVar aggregate classification (germline): Likely benign (1 of 4 stars; one submission).

Allele frequency attached by ClinVar (database versions not stated): gnomAD 0.00018; ExAC 0.00183; 1000 Genomes Project 0.00459.

Submission:

CeGaT Center for Human Genetics Tuebingen
Classification: Likely benign. Last evaluated: 2023-08-01. Review status: criteria provided, single submitter. Criteria: CeGaT Center For Human Genetics Tuebingen Variant Classification Criteria Version 2. Collection method: clinical testing. Allele origin: germline. Affected: yes. Observed: 1 variant allele.
Comment: MUC4: BP4, BS2

NM_018406.7(MUC4):c.12472A>G (p.Thr4158Ala)

Genes: MUC4 (mucin 4, cell surface associated), LOC126806930 (BRD4-independent group 4 enhancer GRCh37_chr3:195505212-195506411). Cytogenetic location: 3q29.
Variant type: single nucleotide variant.
Coding change: c.12472A>G on transcript NM_018406.7 (MANE Select); coding-DNA position 12472, A replaced by G.
Protein change: p.Thr4158Ala; replaces threonine 4158 with alanine.
Molecular consequence: missense variant. On other transcripts: genic upstream transcript variant (2).
Genome position (GRCh38, 1-based): chr3:195,779,108, T>C on the plus strand (A>G on the coding strand, the complement: MUC4 is on the minus strand). VCF-style: chr3-195779108-T-C. GRCh37 (hg19) VCF-style: chr3-195505979-T-C.
Other names: c.17914A>G, p.Thr5972Ala (NM_001322468.1); c.83-4803A>G (NM_138297.5); c.83-653A>G (NM_004532.6); short protein forms T4158A, T5972A.
Identifiers: ClinVar variation 2654381 (VCV002654381.24), dbSNP rs201251642, ClinGen allele CA2768794.
Genomic context (GRCh38, chr3:195,779,108, plus strand): 5'-GAAGAGGGGTGCCGTGACCTGTGGACACTGAGGAAGCGTCGGTGACAGGAAGAGAGGTGG[T>C]GTGACCTGAGGATGCTGAGGAAGGGATGGTGACAGGAAGAGGCGTGGTGTCACCTGTGGA-3'
Protein context (NP_060876.5, residues 4148-4168): TIPSSASSGH[Thr4158Ala]TSLPVTDASS